The following is an entry in ClinVar:

ClinVar aggregate classification (germline): Uncertain significance (1 of 4 stars; one submission).

Conditions:
Early Myoclonic Encephalopathy. Identifiers: MedGen C0270855.

Allele frequency attached by ClinVar (database versions not stated): gnomAD exomes 0.00001 and below 0.00001; TOPMed below 0.00001; gnomAD 0.00001.
gnomAD v4.1: 5 of 1,613,962 alleles (0.00031%); highest among the groups gnomAD compares: Non-Finnish European, 0.00042%; no homozygotes.

Submission:

Labcorp Genetics (formerly Invitae), Labcorp
Classification: Uncertain significance for Early Myoclonic Encephalopathy. Last evaluated: 2019-01-26. Review status: criteria provided, single submitter. Criteria: Invitae Variant Classification Sherloc (09022015). Collection method: clinical testing. Allele origin: germline.
Comment: In summary, the available evidence is currently insufficient to determine the role of this variant in disease. Therefore, it has been classified as a Variant of Uncertain Significance. Algorithms developed to predict the effect of missense changes on protein structure and function output the following: SIFT: "Tolerated"; PolyPhen-2: "Benign"; Align-GVGD: "Class C0". The serine amino acid residue is found in multiple mammalian species, suggesting that this missense change does not adversely affect protein function. These predictions have not been confirmed by published functional studies and their clinical significance is uncertain. This variant has not been reported in the literature in individuals with JMJD1C-related conditions. This variant is not present in population databases (ExAC no frequency). This sequence change replaces glycine with serine at codon 1044 of the JMJD1C protein (p.Gly1044Ser). The glycine residue is moderately conserved and there is a small physicochemical difference between glycine and serine.

NM_032776.3(JMJD1C):c.3130G>A (p.Gly1044Ser)

Gene: JMJD1C (jumonji domain containing 1C; minus strand). Cytogenetic location: 10q21.3.
Variant type: single nucleotide variant.
Coding change: c.3130G>A on transcript NM_032776.3 (MANE Select); coding-DNA position 3130, G replaced by A.
Protein change: p.Gly1044Ser; replaces glycine 1044 with serine.
Molecular consequence: missense variant. On other transcripts: non-coding transcript variant (1).
Genome position (GRCh38, 1-based): chr10:63,208,539, C>T on the plus strand (G>A on the coding strand, the complement: JMJD1C is on the minus strand). VCF-style: chr10-63208539-C-T. GRCh37 (hg19) VCF-style: chr10-64968299-C-T.
Other names: c.2584G>A, p.Gly862Ser (NM_001282948.2, NM_001318154.2); c.2266G>A, p.Gly756Ser (NM_001318153.2); c.3016G>A, p.Gly1006Ser (NM_001322252.2); c.2473G>A, p.Gly825Ser (NM_001322254.2, NM_001322258.2); short protein forms G1044S, G825S, G1006S, G756S, G862S.
Identifiers: ClinVar variation 857431 (VCV000857431.9), dbSNP rs1264412185, ClinGen allele CA377042776.